The following is an entry in ClinVar:

ClinVar aggregate classification (germline): Uncertain significance (1 of 4 stars; one submission).

Conditions:
Neurodevelopmental disorder with dysmorphic facies and distal skeletal anomalies. Identifiers: MedGen C5231448, MONDO:0032855, OMIM 618659.

Submission:

Dasa
Classification: Uncertain significance for Neurodevelopmental disorder with dysmorphic facies and distal skeletal anomalies. Last evaluated: 2025-07-07. Review status: criteria provided, single submitter. Criteria: DASA Assertion Criteria. Collection method: clinical testing. Allele origin: germline.
Comment: NM_020338.4(ZMIZ1):c.1810T>A (p.Ser604Thr) is a missense variant that results in the substitution of serine with threonine. This variant is absent from population databases. Computational prediction algorithms are consistent with a benign effect. The currently available literature and clinical evidence are not sufficient to establish a definitive association between this variant and the reported condition. Therefore, this variant is classified as a variant of uncertain significance.

NM_020338.4(ZMIZ1):c.1810T>A (p.Ser604Thr)

Gene: ZMIZ1 (zinc finger MIZ-type containing 1; plus strand). Cytogenetic location: 10q22.3.
Variant type: single nucleotide variant.
Coding change: c.1810T>A on transcript NM_020338.4 (MANE Select); coding-DNA position 1810, T replaced by A.
Protein change: p.Ser604Thr; replaces serine 604 with threonine.
Molecular consequence: missense variant.
Genome position (GRCh38, 1-based): chr10:79,300,733, T>A. VCF-style: chr10-79300733-T-A. GRCh37 (hg19) VCF-style: chr10-81060490-T-A.
Other names: short protein forms S604T.
Identifiers: ClinVar variation 4882538 (VCV004882538.2).